The following is an entry in ClinVar:

NM_000051.4(ATM):c.5599C>A (p.Gln1867Lys)

Gene: ATM (ATM serine/threonine kinase; plus strand). Cytogenetic location: 11q22.3.
Variant type: single nucleotide variant.
Coding change: c.5599C>A on transcript NM_000051.4 (MANE Select); coding-DNA position 5599, C replaced by A.
Protein change: p.Gln1867Lys; replaces glutamine 1867 with lysine.
Molecular consequence: missense variant.
Genome position (GRCh38, 1-based): chr11:108,304,777, C>A. VCF-style: chr11-108304777-C-A. GRCh37 (hg19) VCF-style: chr11-108175504-C-A.
Other names: c.5599C>A, p.Gln1867Lys (NM_001351834.2); short protein forms Q1867K.
Identifiers: ClinVar variation 1391328 (VCV001391328.9), dbSNP rs2135944782, ClinGen allele CA382546219.

ClinVar aggregate classification (germline): Uncertain significance. Review status: criteria provided, multiple submitters, no conflicts (2 of 4 stars). 2 submissions from 2 submitters: Uncertain significance (2). Last evaluated 2024-07-08.

Conditions:
Hereditary cancer-predisposing syndrome. Also called: Hereditary neoplastic syndrome; Neoplastic Syndromes, Hereditary; Hereditary Cancer Syndrome; Tumor predisposition. Identifiers: Orphanet 140162, MedGen C0027672, MeSH D009386, MONDO:0015356.
Ataxia-telangiectasia syndrome (AT). Also called: Ataxia-telangiectasia, complementation group D; Ataxia telangiectasia (A-T); Cerebello-oculocutaneous telangiectasia; Immunodeficiency with ataxia telangiectasia; ATAXIA-TELANGIECTASIA, COMPLEMENTATION GROUP A; ATAXIA-TELANGIECTASIA, FRESNO VARIANT. Identifiers: Orphanet 100, MedGen C0004135, MONDO:0008840, OMIM 208900.

Submissions (2):

Ambry Genetics
Classification: Uncertain significance for Hereditary cancer-predisposing syndrome. Last evaluated: 2024-07-08. Review status: criteria provided, single submitter. Criteria: Ambry Variant Classification Scheme 2023. Collection method: clinical testing. Allele origin: germline.
Comment: The p.Q1867K variant (also known as c.5599C>A), located in coding exon 36 of the ATM gene, results from a C to A substitution at nucleotide position 5599. The glutamine at codon 1867 is replaced by lysine, an amino acid with similar properties. This amino acid position is well conserved in available vertebrate species. In addition, this alteration is predicted to be tolerated by in silico analysis. Since supporting evidence is limited at this time, the clinical significance of this alteration remains unclear.

Labcorp Genetics (formerly Invitae), Labcorp
Classification: Uncertain significance for Ataxia-telangiectasia syndrome. Last evaluated: 2021-11-04. Review status: criteria provided, single submitter. Criteria: Invitae Variant Classification Sherloc (09022015). Collection method: clinical testing. Allele origin: germline.
Comment: In summary, the available evidence is currently insufficient to determine the role of this variant in disease. Therefore, it has been classified as a Variant of Uncertain Significance. This sequence change replaces glutamine, which is neutral and polar, with lysine, which is basic and polar, at codon 1867 of the ATM protein (p.Gln1867Lys). This variant is not present in population databases (gnomAD no frequency). This variant has not been reported in the literature in individuals affected with ATM-related conditions. Advanced modeling of protein sequence and biophysical properties (such as structural, functional, and spatial information, amino acid conservation, physicochemical variation, residue mobility, and thermodynamic stability) performed at Invitae indicates that this missense variant is not expected to disrupt ATM protein function.